The following is an entry in ClinVar:

NM_014795.4(ZEB2):c.2701C>T (p.Gln901Ter)

Gene: ZEB2 (zinc finger E-box binding homeobox 2; minus strand). Cytogenetic location: 2q22.3.
Variant type: single nucleotide variant.
Coding change: c.2701C>T on transcript NM_014795.4 (MANE Select); coding-DNA position 2701, C replaced by T.
Protein change: p.Gln901Ter; replaces glutamine 901 with a stop codon.
Molecular consequence: nonsense.
Genome position (GRCh38, 1-based): chr2:144,398,486, G>A on the plus strand (C>T on the coding strand, the complement: ZEB2 is on the minus strand). VCF-style: chr2-144398486-G-A. GRCh37 (hg19) VCF-style: chr2-145156053-G-A.
Other names: c.2629C>T, p.Gln877Ter (NM_001171653.2); short protein forms Q901*, Q877*.
Identifiers: ClinVar variation 198867 (VCV000198867.6), dbSNP rs794727924, ClinGen allele CA275438.

ClinVar aggregate classification (germline): Pathogenic. Review status: criteria provided, multiple submitters, no conflicts (2 of 4 stars). 2 submissions from 2 submitters: Pathogenic (2). Last evaluated 2023-10-20.

Conditions:
Mowat-Wilson syndrome (MOWS). Also called: Classic Mowat-Wilson Syndrome. Identifiers: Orphanet 2152, MedGen C1856113, MONDO:0009341, OMIM 235730.

Submissions (2):

Medical Genetics Unit, Azienda USL-IRCCS di Reggio Emilia
Classification: Pathogenic for Mowat-Wilson syndrome. Last evaluated: 2023-10-20. Review status: criteria provided, single submitter. Criteria: ACMG Guidelines, 2015. Collection method: clinical testing. Allele origin: de novo. Affected: yes. Observed: 1 variant allele.
Comment: Heterozygous variant associated with Mowat-Wilson syndrome in at least 1 individual. ACMG/AMP criteria PVS1, PS2, PM2, PP4

Eurofins Ntd Llc (ga)
Classification: Pathogenic. Last evaluated: 2014-06-04. Review status: criteria provided, single submitter. Criteria: EGL Classification Definitions 2015. Collection method: clinical testing. Allele origin: germline. Observed: 1 variant allele, 1 heterozygote.

Literature cited by the submitters: PubMed 29300384 (cited by Medical Genetics Unit, Azienda USL-IRCCS di Reggio Emilia); PubMed 23322667 (cited by Eurofins Ntd Llc (ga)).